The following is an entry in ClinVar:

NM_000057.4(BLM):c.577T>C (p.Phe193Leu)

Gene: BLM (BLM RecQ like helicase; plus strand). Cytogenetic location: 15q26.1.
Variant type: single nucleotide variant.
Coding change: c.577T>C on transcript NM_000057.4 (MANE Select); coding-DNA position 577, T replaced by C.
Protein change: p.Phe193Leu; replaces phenylalanine 193 with leucine.
Molecular consequence: missense variant. On other transcripts: 5 prime UTR variant (1).
Genome position (GRCh38, 1-based): chr15:90,749,845, T>C. VCF-style: chr15-90749845-T-C. GRCh37 (hg19) VCF-style: chr15-91293075-T-C.
Other names: c.577T>C, p.Phe193Leu (NM_001287246.2, NM_001287247.2); c.-715T>C (NM_001287248.2); short protein forms F193L.
Identifiers: ClinVar variation 578232 (VCV000578232.17), dbSNP rs779348937, ClinGen allele CA7738314.

ClinVar aggregate classification (germline): Uncertain significance. Review status: criteria provided, multiple submitters, no conflicts (2 of 4 stars). 5 submissions from 5 submitters: Uncertain significance (4). 1 of the submissions does not count toward it. Last evaluated 2025-09-30.

Conditions:
Bloom syndrome (BLM). Also called: Bloom-Torre-Machacek syndrome. Identifiers: Orphanet 125, MedGen C0005859, MONDO:0008876, OMIM 210900.
Hereditary cancer-predisposing syndrome. Also called: Tumor predisposition; Hereditary neoplastic syndrome; Hereditary Cancer Syndrome; Neoplastic Syndromes, Hereditary. Identifiers: Orphanet 140162, MedGen C0027672, MeSH D009386, MONDO:0015356.

Allele frequency attached by ClinVar (database versions not stated): gnomAD 0.00001; gnomAD exomes 0.00002 and 0.00005; TOPMed 0.00002; ExAC 0.00008.
gnomAD v4.1: 29 of 1,593,276 alleles (0.0018%); highest among the groups gnomAD compares: Non-Finnish European, 0.0024%; no homozygotes.

Submissions (5):

Women's Health and Genetics/Laboratory Corporation of America, LabCorp
Classification: Uncertain significance. Last evaluated: 2025-09-30. Review status: criteria provided, single submitter. Criteria: LabCorp Variant Classification Summary - May 2015. Collection method: clinical testing. Allele origin: germline.

Labcorp Genetics (formerly Invitae), Labcorp
Classification: Uncertain significance for Bloom syndrome. Last evaluated: 2025-01-23. Review status: criteria provided, single submitter. Criteria: Invitae Variant Classification Sherloc (09022015). Collection method: clinical testing. Allele origin: germline.
Comment: This sequence change replaces phenylalanine, which is neutral and non-polar, with leucine, which is neutral and non-polar, at codon 193 of the BLM protein (p.Phe193Leu). This variant is present in population databases (rs779348937, gnomAD 0.01%). This variant has not been reported in the literature in individuals affected with BLM-related conditions. ClinVar contains an entry for this variant (Variation ID: 578232). An algorithm developed to predict the effect of missense changes on protein structure and function outputs the following: PolyPhen-2: "Benign". The leucine amino acid residue is found in multiple mammalian species, which suggests that this missense change does not adversely affect protein function. In summary, the available evidence is currently insufficient to determine the role of this variant in disease. Therefore, it has been classified as a Variant of Uncertain Significance.

St. Jude Molecular Pathology, St. Jude Children's Research Hospital
Classification: Uncertain significance for Bloom syndrome. Last evaluated: 2023-09-22. Review status: criteria provided, single submitter. Criteria: St. Jude Assertion Criteria 2020. Collection method: clinical testing. Allele origin: germline.
Comment: The BLM c.577T>C (p.Phe193Leu) missense change has a maximum subpopulation frequency of 0.01% in gnomAD v2.1.1. The in silico tool REVEL predicts a benign effect on protein function, but to our knowledge this prediction has not been confirmed by functional studies. To our knowledge, this variant has not been reported in individuals with Bloom syndrome. ?In summary, the evidence currently available is insufficient to determine the clinical significance of this variant. It has therefore been classified as of uncertain significance.?

Ambry Genetics
Classification: Uncertain significance for Hereditary cancer-predisposing syndrome. Last evaluated: 2023-05-05. Review status: criteria provided, single submitter. Criteria: Ambry Variant Classification Scheme 2023. Collection method: clinical testing. Allele origin: germline.
Comment: The p.F193L variant (also known as c.577T>C), located in coding exon 2 of the BLM gene, results from a T to C substitution at nucleotide position 577. The phenylalanine at codon 193 is replaced by leucine, an amino acid with highly similar properties. This amino acid position is not well conserved in available vertebrate species. In addition, this alteration is predicted to be tolerated by in silico analysis. Since supporting evidence is limited at this time, the clinical significance of this alteration remains unclear.

Natera, Inc.
Classification: Uncertain significance for Bloom syndrome. Last evaluated: 2020-09-16. Review status: no assertion criteria provided. Collection method: clinical testing. Allele origin: germline. Not counted in ClinVar's aggregate classification.